The following is an entry in ClinVar:

NM_001330260.2(SCN8A):c.5645C>T (p.Ser1882Phe)

Gene: SCN8A (sodium voltage-gated channel alpha subunit 8; plus strand). Cytogenetic location: 12q13.13.
Variant type: single nucleotide variant.
Coding change: c.5645C>T on transcript NM_001330260.2 (MANE Select); coding-DNA position 5645, C replaced by T.
Protein change: p.Ser1882Phe; replaces serine 1882 with phenylalanine.
Molecular consequence: missense variant.
Genome position (GRCh38, 1-based): chr12:51,807,131, C>T. VCF-style: chr12-51807131-C-T. GRCh37 (hg19) VCF-style: chr12-52200915-C-T.
Other names: c.5522C>T, p.Ser1841Phe (NM_001177984.3, NM_001369788.1); c.5645C>T, p.Ser1882Phe (NM_014191.4); short protein forms S1882F, S1841F.
Identifiers: ClinVar variation 2766850 (VCV002766850.3), dbSNP rs1592174945, ClinGen allele CA384888291.

ClinVar aggregate classification (germline): Uncertain significance (1 of 4 stars; one submission).

Conditions:
Early-infantile DEE. Also called: Ohtahara syndrome; Early infantile epileptic encephalopathy; Early infantile epileptic encephalopathy with suppression bursts. Identifiers: Orphanet 1934, MedGen C0393706, MONDO:0800491.

Submission:

Labcorp Genetics (formerly Invitae), Labcorp
Classification: Uncertain significance for Early-infantile DEE. Last evaluated: 2023-10-08. Review status: criteria provided, single submitter. Criteria: Invitae Variant Classification Sherloc (09022015). Collection method: clinical testing. Allele origin: germline.
Comment: This sequence change replaces serine, which is neutral and polar, with phenylalanine, which is neutral and non-polar, at codon 1882 of the SCN8A protein (p.Ser1882Phe). This variant is not present in population databases (gnomAD no frequency). This variant has not been reported in the literature in individuals affected with SCN8A-related conditions. Advanced modeling of protein sequence and biophysical properties (such as structural, functional, and spatial information, amino acid conservation, physicochemical variation, residue mobility, and thermodynamic stability) performed at Invitae indicates that this missense variant is expected to disrupt SCN8A protein function. In summary, the available evidence is currently insufficient to determine the role of this variant in disease. Therefore, it has been classified as a Variant of Uncertain Significance.